The following is an entry in ClinVar:

NM_177438.3(DICER1):c.4954C>A (p.His1652Asn)

Gene: DICER1 (dicer 1, ribonuclease III; minus strand). Cytogenetic location: 14q32.13.
Variant type: single nucleotide variant.
Coding change: c.4954C>A on transcript NM_177438.3 (MANE Select); coding-DNA position 4954, C replaced by A.
Protein change: p.His1652Asn; replaces histidine 1652 with asparagine.
Molecular consequence: missense variant. On other transcripts: non-coding transcript variant (6).
Genome position (GRCh38, 1-based): chr14:95,095,966, G>T on the plus strand (C>A on the coding strand, the complement: DICER1 is on the minus strand). VCF-style: chr14-95095966-G-T. GRCh37 (hg19) VCF-style: chr14-95562303-G-T.
Other names: c.4954C>A, p.His1652Asn (NM_001195573.1, NM_001271282.3, NM_001291628.2 and 13 more transcripts); c.4672C>A, p.His1558Asn (NM_001395686.1); c.4549C>A, p.His1517Asn (NM_001395687.1, NM_001395688.1, NM_001395689.1 and 2 more transcripts); c.4387C>A, p.His1463Asn (NM_001395691.1); c.3271C>A, p.His1091Asn (NM_001395697.1); short protein forms H1517N, H1558N, H1091N, H1463N, H1652N.
Identifiers: ClinVar variation 1744346 (VCV001744346.3), dbSNP rs1372597986, ClinGen allele CA390866235.

ClinVar aggregate classification (germline): Uncertain significance. Review status: criteria provided, multiple submitters, no conflicts (2 of 4 stars). 2 submissions from 2 submitters: Uncertain significance (2). Last evaluated 2024-02-13.

Conditions:
Hereditary cancer-predisposing syndrome. Also called: Hereditary Cancer Syndrome; Neoplastic Syndromes, Hereditary; Tumor predisposition; Hereditary neoplastic syndrome. Identifiers: Orphanet 140162, MedGen C0027672, MeSH D009386, MONDO:0015356.

Submissions (2):

GeneDx
Classification: Uncertain significance. Last evaluated: 2024-02-13. Review status: criteria provided, single submitter. Criteria: GeneDx Variant Classification Process June 2021. Collection method: clinical testing. Allele origin: germline. Affected: yes.
Comment: Not observed at significant frequency in large population cohorts (gnomAD); In silico analysis supports that this missense variant does not alter protein structure/function; Has not been previously published as pathogenic or benign to our knowledge; This variant is associated with the following publications: (PMID: 32729194)

Ambry Genetics
Classification: Uncertain significance for Hereditary cancer-predisposing syndrome. Last evaluated: 2022-05-26. Review status: criteria provided, single submitter. Criteria: Ambry Variant Classification Scheme 2023. Collection method: clinical testing. Allele origin: germline.
Comment: The p.H1652N variant (also known as c.4954C>A), located in coding exon 22 of the DICER1 gene, results from a C to A substitution at nucleotide position 4954. The histidine at codon 1652 is replaced by asparagine, an amino acid with similar properties. This amino acid position is conserved. In addition, the in silico prediction for this alteration is inconclusive. Since supporting evidence is limited at this time, the clinical significance of this alteration remains unclear.